The following is an entry in ClinVar:

NM_000081.4(LYST):c.9479T>C (p.Leu3160Pro)

Gene: LYST (lysosomal trafficking regulator; minus strand). Cytogenetic location: 1q42.3.
Variant type: single nucleotide variant.
Coding change: c.9479T>C on transcript NM_000081.4 (MANE Select); coding-DNA position 9479, T replaced by C.
Protein change: p.Leu3160Pro; replaces leucine 3160 with proline.
Molecular consequence: missense variant.
Genome position (GRCh38, 1-based): chr1:235,720,742, A>G on the plus strand (T>C on the coding strand, the complement: LYST is on the minus strand). VCF-style: chr1-235720742-A-G. GRCh37 (hg19) VCF-style: chr1-235884042-A-G.
Other names: c.9479T>C, p.Leu3160Pro (NM_001301365.1); short protein forms L3160P.
Identifiers: ClinVar variation 3681906 (VCV003681906.2).

ClinVar aggregate classification (germline): Uncertain significance (1 of 4 stars; one submission).

Conditions:
Chédiak-Higashi syndrome (CHS). Also called: Chediak-Higashi Syndrome. Identifiers: Orphanet 167, MedGen C0007965, MONDO:0008963, OMIM 214500.

Submission:

Labcorp Genetics (formerly Invitae), Labcorp
Classification: Uncertain significance for Chédiak-Higashi syndrome. Last evaluated: 2024-08-05. Review status: criteria provided, single submitter. Criteria: Invitae Variant Classification Sherloc (09022015). Collection method: clinical testing. Allele origin: germline.
Comment: This sequence change replaces leucine, which is neutral and non-polar, with proline, which is neutral and non-polar, at codon 3160 of the LYST protein (p.Leu3160Pro). This variant is not present in population databases (gnomAD no frequency). This variant has not been reported in the literature in individuals affected with LYST-related conditions. Advanced modeling of protein sequence and biophysical properties (such as structural, functional, and spatial information, amino acid conservation, physicochemical variation, residue mobility, and thermodynamic stability) performed at Invitae indicates that this missense variant is expected to disrupt LYST protein function with a positive predictive value of 80%. In summary, the available evidence is currently insufficient to determine the role of this variant in disease. Therefore, it has been classified as a Variant of Uncertain Significance.